The following is an entry in ClinVar:

ClinVar aggregate classification (germline): Uncertain significance (1 of 4 stars; one submission).

Conditions:
Ullrich congenital muscular dystrophy 2 (UCMD2). Identifiers: Orphanet 75840, MedGen C4225314, MONDO:0014654, OMIM 616470.
Bethlem myopathy 2 (BTHLM2). Identifiers: Orphanet 536516, Orphanet 610, MedGen C4225313, MONDO:0034022, OMIM 616471.

Allele frequency attached by ClinVar (database versions not stated): TOPMed below 0.00001.
gnomAD v4.1: 3 of 1,613,002 alleles (0.00019%); highest among the groups gnomAD compares: Non-Finnish European, 0.00025%; no homozygotes.

Submission:

Labcorp Genetics (formerly Invitae), Labcorp
Classification: Uncertain significance for Bethlem myopathy 2; Ullrich congenital muscular dystrophy 2. Last evaluated: 2023-01-31. Review status: criteria provided, single submitter. Criteria: Invitae Variant Classification Sherloc (09022015). Collection method: clinical testing. Allele origin: germline.
Comment: This sequence change replaces arginine, which is basic and polar, with lysine, which is basic and polar, at codon 1129 of the COL12A1 protein (p.Arg1129Lys). This variant is not present in population databases (gnomAD no frequency). This variant has not been reported in the literature in individuals affected with COL12A1-related conditions. Advanced modeling of protein sequence and biophysical properties (such as structural, functional, and spatial information, amino acid conservation, physicochemical variation, residue mobility, and thermodynamic stability) performed at Invitae indicates that this missense variant is not expected to disrupt COL12A1 protein function. In summary, the available evidence is currently insufficient to determine the role of this variant in disease. Therefore, it has been classified as a Variant of Uncertain Significance.

NM_004370.6(COL12A1):c.3386G>A (p.Arg1129Lys)

Gene: COL12A1 (collagen type XII alpha 1 chain; minus strand). Cytogenetic location: 6q13.
Variant type: single nucleotide variant.
Coding change: c.3386G>A on transcript NM_004370.6 (MANE Select); coding-DNA position 3386, G replaced by A.
Protein change: p.Arg1129Lys; replaces arginine 1129 with lysine.
Molecular consequence: missense variant. On other transcripts: intron variant (2).
Genome position (GRCh38, 1-based): chr6:75,155,719, C>T on the plus strand (G>A on the coding strand, the complement: COL12A1 is on the minus strand). VCF-style: chr6-75155719-C-T. GRCh37 (hg19) VCF-style: chr6-75865435-C-T.
Other names: c.3386G>A, p.Arg1129Lys (NM_001424113.1, NM_001424114.1); c.3113G>A, p.Arg1038Lys (NM_001424115.1); c.74-3237G>A (NM_001424116.1, NM_080645.3); short protein forms R1129K, R1038K.
Identifiers: ClinVar variation 2934587 (VCV002934587.3), dbSNP rs1342139315, ClinGen allele CA364752212.